The following is an entry in ClinVar:

ClinVar aggregate classification (germline): Uncertain significance (1 of 4 stars; one submission).

Conditions:
Dilated cardiomyopathy 1AA (CMD1AA). Also called: Cardiomyopathy, dilated, 1AA, with or without LVNC; CARDIOMYOPATHY, FAMILIAL HYPERTROPHIC, 23, WITH OR WITHOUT LEFT VENTRICULAR NONCOMPACTION; CARDIOMYOPATHY, DILATED, 1AA, WITH OR WITHOUT LEFT VENTRICULAR NONCOMPACTION. Identifiers: Orphanet 154, MedGen C2677338, MONDO:0012808, OMIM 612158.
Primary familial hypertrophic cardiomyopathy (HCM). Identifiers: Orphanet 99739, MedGen C0949658, MeSH D024741, MONDO:0024573. Inheritance: Various modes of inheritance.

Submission:

Labcorp Genetics (formerly Invitae), Labcorp
Classification: Uncertain significance for Primary familial hypertrophic cardiomyopathy; Dilated cardiomyopathy 1AA. Last evaluated: 2020-09-24. Review status: criteria provided, single submitter. Criteria: Invitae Variant Classification Sherloc (09022015). Collection method: clinical testing. Allele origin: germline.
Comment: This variant is not present in population databases (ExAC no frequency). In summary, the available evidence is currently insufficient to determine the role of this variant in disease. Therefore, it has been classified as a Variant of Uncertain Significance. Advanced modeling of protein sequence and biophysical properties (such as structural, functional, and spatial information, amino acid conservation, physicochemical variation, residue mobility, and thermodynamic stability) performed at Invitae indicates that this missense variant is not expected to disrupt ACTN2 protein function. This variant has not been reported in the literature in individuals with ACTN2-related conditions. This sequence change replaces valine with leucine at codon 831 of the ACTN2 protein (p.Val831Leu). The valine residue is highly conserved and there is a small physicochemical difference between valine and leucine.

NM_001103.4(ACTN2):c.2491G>C (p.Val831Leu)

Gene: ACTN2 (actinin alpha 2; plus strand). Cytogenetic location: 1q43.
Variant type: single nucleotide variant.
Coding change: c.2491G>C on transcript NM_001103.4 (MANE Select); coding-DNA position 2491, G replaced by C.
Protein change: p.Val831Leu; replaces valine 831 with leucine.
Molecular consequence: missense variant.
Genome position (GRCh38, 1-based): chr1:236,761,138, G>C. VCF-style: chr1-236761138-G-C. GRCh37 (hg19) VCF-style: chr1-236924438-G-C.
Other names: c.2491G>C, p.Val831Leu (NM_001278343.2); c.1867G>C, p.Val623Leu (NM_001278344.2); short protein forms V623L, V831L.
Identifiers: ClinVar variation 1063043 (VCV001063043.9), dbSNP rs2102951840, ClinGen allele CA345391567.